The following is an entry in ClinVar:

NM_001366110.1(PAX4):c.*211A>G

Gene: PAX4 (paired box 4; minus strand). Cytogenetic location: 7q32.1.
Variant type: single nucleotide variant.
Coding change: c.*211A>G on transcript NM_001366110.1 (MANE Select); 211 bases downstream of the stop codon, A replaced by G.
Molecular consequence: 3 prime UTR variant. On other transcripts: stop lost (1).
Genome position (GRCh38, 1-based): chr7:127,610,853, T>C on the plus strand (A>G on the coding strand, the complement: PAX4 is on the minus strand). VCF-style: chr7-127610853-T-C. GRCh37 (hg19) VCF-style: chr7-127250907-T-C.
Other names: *349W; c.1046A>G, p.Ter349Trp (NM_001366111.1).
Identifiers: ClinVar variation 358791 (VCV000358791.13), dbSNP rs712700, ClinGen allele CA4467811.

ClinVar aggregate classification (germline): Benign/Likely benign. Review status: criteria provided, multiple submitters, no conflicts (2 of 4 stars). 5 submissions from 5 submitters: Benign (3); Likely benign (1). 1 of the submissions does not count toward it. Last evaluated 2023-03-28.

Conditions:
PAX4-related disorder. Also called: PAX4-related condition.
Type 2 diabetes mellitus. Also called: Type II diabetes mellitus. Identifiers: MedGen C0011860, MeSH D003924, MONDO:0005148, OMIM 125853, HP:0005978.

Allele frequency attached by ClinVar (database versions not stated): gnomAD exomes 0.76895 and 0.73389; 1000 Genomes Project 0.66933; 1000 Genomes Project 30x 0.67848; gnomAD 0.74220 and 0.74585; TOPMed 0.74238; ExAC 0.76323.

Submissions (5):

Blueprint Genetics
Classification: Likely benign. Last evaluated: 2023-03-28. Review status: criteria provided, single submitter. Criteria: ACMG Guidelines, 2015. Collection method: clinical testing. Allele origin: germline.

Genome-Nilou Lab
Classification: Benign for Type 2 diabetes mellitus. Last evaluated: 2021-09-05. Review status: criteria provided, single submitter. Criteria: ACMG Guidelines, 2015. Collection method: clinical testing. Allele origin: germline. Affected: no.

GeneDx
Classification: Benign. Last evaluated: 2018-08-09. Review status: criteria provided, single submitter. Criteria: GeneDx Variant Classification Process June 2021. Collection method: clinical testing. Allele origin: germline. Affected: yes.

Breakthrough Genomics
Classification: Benign. Review status: criteria provided, single submitter. Criteria: ACMG Guidelines, 2015. Collection method: not provided. Allele origin: germline. Inheritance: Autosomal dominant inheritance. Affected: yes.

PreventionGenetics, part of Exact Sciences
Classification: Benign for PAX4-related condition. Last evaluated: 2019-02-25. Review status: no assertion criteria provided. Collection method: clinical testing. Allele origin: germline. Not counted in ClinVar's aggregate classification.
Comment: This variant is classified as benign based on ACMG/AMP sequence variant interpretation guidelines (Richards et al. 2015 PMID: 25741868, with internal and published modifications).